The following is an entry in ClinVar:

ClinVar aggregate classification (germline): Conflicting classifications of pathogenicity. Review status: criteria provided, conflicting classifications (1 of 4 stars). 6 submissions from 6 submitters: Uncertain significance (2); Likely benign (4). Last evaluated 2026-08-01.

Conditions:
Heart defects, congenital, and other congenital anomalies. Also called: PANCREATIC HYPOPLASIA, CONGENITAL, WITH DIABETES MELLITUS AND CONGENITAL HEART DISEASE; Pancreatic hypoplasia-diabetes-congenital heart disease syndrome. Identifiers: Orphanet 2255, MedGen C2931296, MONDO:0010802, OMIM 600001.
Tetralogy of Fallot (TOF). Identifiers: Orphanet 3303, MedGen C0039685, MONDO:0008542, OMIM 187500, HP:0001636.
Atrioventricular septal defect 5 (AVSD5). Identifiers: MedGen C3280939, MONDO:0013769, OMIM 614474.
Atrial septal defect 9 (ASD9). Identifiers: Orphanet 1478, MedGen C3280943, MONDO:0013770, OMIM 614475.
Conotruncal heart malformations (CTHM). Also called: Conotruncal heart malformations, variable. Identifiers: Orphanet 2445, Orphanet 3384, Orphanet 3426, MedGen C1857586, MONDO:0016581, OMIM 217095.
Inborn genetic diseases. Identifiers: MedGen C0950123, MeSH D030342.

Allele frequency attached by ClinVar (database versions not stated): ESP Exome Variant Server 0.00015; 1000 Genomes Project 0.00020; gnomAD exomes 0.00025; gnomAD 0.00017 and 0.00018; TOPMed 0.00025; 1000 Genomes Project 30x 0.00016; ExAC 0.00019.
gnomAD v4.1: 362 of 1,614,226 alleles (0.022%); highest among the groups gnomAD compares: Admixed American, 0.11%; no homozygotes.

Submissions (6):

CeGaT Center for Human Genetics Tuebingen
Classification: Likely benign. Last evaluated: 2026-08-01. Review status: criteria provided, single submitter. Criteria: CeGaT Center For Human Genetics Tuebingen Variant Classification Criteria Version 2. Collection method: clinical testing. Allele origin: germline. Affected: yes. Observed: 2 variant alleles.
Comment: GATA6: BS1

Labcorp Genetics (formerly Invitae), Labcorp
Classification: Likely benign for Atrioventricular septal defect 5. Last evaluated: 2026-01-12. Review status: criteria provided, single submitter. Criteria: Invitae Variant Classification Sherloc (09022015). Collection method: clinical testing. Allele origin: germline.

Blueprint Genetics
Classification: Likely benign. Last evaluated: 2024-09-05. Review status: criteria provided, single submitter. Criteria: ACMG Guidelines, 2015. Collection method: clinical testing. Allele origin: germline.

Ambry Genetics
Classification: Likely benign for Inborn genetic diseases. Last evaluated: 2021-12-07. Review status: criteria provided, single submitter. Criteria: Ambry Variant Classification Scheme 2023. Collection method: clinical testing. Allele origin: germline.

GeneDx
Classification: Uncertain significance. Last evaluated: 2020-06-01. Review status: criteria provided, single submitter. Criteria: GeneDx Variant Classification Process June 2021. Collection method: clinical testing. Allele origin: germline. Affected: yes.
Comment: In silico analysis, which includes protein predictors and evolutionary conservation, supports a deleterious effect; This variant is associated with the following publications: (PMID: 28381408)

Center for Genomics, Ann and Robert H. Lurie Children's Hospital of Chicago
Classification: Uncertain significance for Atrial septal defect 9; Conotruncal heart malformations; Heart defects, congenital, and other congenital anomalies; Atrioventricular septal defect 5; Tetralogy of Fallot. Review status: criteria provided, single submitter. Criteria: ACMG Guidelines, 2015. Collection method: clinical testing. Allele origin: germline.
Comment: GATA6 NM_005257.5 exon 7 p.Pro555Ala (c.1663C>G): This variant has not been reported in the literature and is present in 0.1% (44/35438) of Latino alleles in the Genome Aggregation Database. This variant is present in ClinVar (Variation ID:412726). Evolutionary conservation and computational predictive tools suggest that this variant may not impact the protein. In summary, data on this variant is insufficient for disease classification. Therefore, the clinical significance of this variant is uncertain.

NM_005257.6(GATA6):c.1663C>G (p.Pro555Ala)

Gene: GATA6 (GATA binding protein 6; plus strand). Cytogenetic location: 18q11.2.
Variant type: single nucleotide variant.
Coding change: c.1663C>G on transcript NM_005257.6 (MANE Select); coding-DNA position 1663, C replaced by G.
Protein change: p.Pro555Ala; replaces proline 555 with alanine.
Molecular consequence: missense variant.
Genome position (GRCh38, 1-based): chr18:22,200,698, C>G. VCF-style: chr18-22200698-C-G. GRCh37 (hg19) VCF-style: chr18-19780661-C-G.
Other names: c.1663C>G (NM_005257.4, NM_005257.3); short protein forms P555A.
Identifiers: ClinVar variation 412726 (VCV000412726.30), dbSNP rs146243018, ClinGen allele CA8909066.